The following is an entry in ClinVar:

ClinVar aggregate classification (germline): Uncertain significance (1 of 4 stars; one submission).

Submission:

GeneDx
Classification: Uncertain significance. Last evaluated: 2023-06-27. Review status: criteria provided, single submitter. Criteria: GeneDx Variant Classification Process June 2021. Collection method: clinical testing. Allele origin: germline. Affected: yes.
Comment: Not observed at significant frequency in large population cohorts (gnomAD); In silico analysis supports that this missense variant has a deleterious effect on protein structure/function; Has not been previously published as pathogenic or benign to our knowledge; This variant is associated with the following publications: (PMID: 22571692)

NM_003119.4(SPG7):c.1168G>A (p.Val390Met)

Gene: SPG7 (SPG7 matrix AAA peptidase subunit, paraplegin; plus strand). Cytogenetic location: 16q24.3.
Variant type: single nucleotide variant.
Coding change: c.1168G>A on transcript NM_003119.4 (MANE Select); coding-DNA position 1168, G replaced by A.
Protein change: p.Val390Met; replaces valine 390 with methionine.
Molecular consequence: missense variant.
Genome position (GRCh38, 1-based): chr16:89,532,480, G>A. VCF-style: chr16-89532480-G-A. GRCh37 (hg19) VCF-style: chr16-89598888-G-A.
Other names: c.1168G>A, p.Val390Met (NM_001363850.1, NM_199367.3); short protein forms V390M.
Identifiers: ClinVar variation 3360503 (VCV003360503.1).